The following is an entry in ClinVar:

NM_000817.3(GAD1):c.243C>G (p.Asn81Lys)

Gene: GAD1 (glutamate decarboxylase 1; plus strand). Cytogenetic location: 2q31.1.
Variant type: single nucleotide variant.
Coding change: c.243C>G on transcript NM_000817.3 (MANE Select); coding-DNA position 243, C replaced by G.
Protein change: p.Asn81Lys; replaces asparagine 81 with lysine.
Molecular consequence: missense variant.
Genome position (GRCh38, 1-based): chr2:170,829,572, C>G. VCF-style: chr2-170829572-C-G. GRCh37 (hg19) VCF-style: chr2-171686082-C-G.
Other names: c.243C>G (NM_000817.2); c.243C>G, p.Asn81Lys (NM_013445.4); short protein forms N81K.
Identifiers: ClinVar variation 3026752 (VCV003026752.22), dbSNP rs762948682, ClinGen allele CA349272195.
Genomic context (GRCh38, chr2:170,829,572, plus strand): 5'-TCGCCTTGTGAGTGCCTTCAAGGAGAGGCAATCCTCCAAGAACCTGCTTTCCTGTGAAAA[C>G]AGCGACCGGGATGCCCGCTTCCGGCGCACAGAGACTGACTTCTCTAATCTGTTTGCTAGA-3'
Protein context (NP_000808.2, residues 71-91): QSSKNLLSCE[Asn81Lys]SDRDARFRRT

ClinVar aggregate classification (germline): Uncertain significance. Review status: criteria provided, multiple submitters, no conflicts (2 of 4 stars). 2 submissions from 2 submitters: Uncertain significance (2). Last evaluated 2025-10-22.

Conditions:
Inborn genetic diseases. Identifiers: MedGen C0950123, MeSH D030342.

gnomAD v4.1: 7 of 1,613,984 alleles (0.00043%); highest among the groups gnomAD compares: South Asian, 0.0066%; no homozygotes.

Submissions (2):

Ambry Genetics
Classification: Uncertain significance for Inborn genetic diseases. Last evaluated: 2025-10-22. Review status: criteria provided, single submitter. Criteria: Ambry Variant Classification Scheme 2023. Collection method: clinical testing. Allele origin: germline.

CeGaT Center for Human Genetics Tuebingen
Classification: Uncertain significance. Last evaluated: 2023-12-01. Review status: criteria provided, single submitter. Criteria: CeGaT Center For Human Genetics Tuebingen Variant Classification Criteria Version 2. Collection method: clinical testing. Allele origin: germline. Affected: yes. Observed: 1 variant allele.
Comment: GAD1: PM2